The following is an entry in ClinVar:

ClinVar aggregate classification (germline): Uncertain significance (1 of 4 stars; one submission).

Conditions:
Hereditary cancer-predisposing syndrome. Also called: Tumor predisposition; Hereditary Cancer Syndrome; Neoplastic Syndromes, Hereditary; Hereditary neoplastic syndrome. Identifiers: Orphanet 140162, MedGen C0027672, MeSH D009386, MONDO:0015356.

Submission:

Ambry Genetics
Classification: Uncertain significance for Hereditary cancer-predisposing syndrome. Last evaluated: 2019-05-17. Review status: criteria provided, single submitter. Criteria: Ambry Variant Classification Scheme 2023. Collection method: clinical testing. Allele origin: germline.
Comment: The p.L856M variant (also known as c.2566C>A), located in coding exon 15 of the PMS2 gene, results from a C to A substitution at nucleotide position 2566. The leucine at codon 856 is replaced by methionine, an amino acid with highly similar properties. This amino acid position is highly conserved in available vertebrate species. In addition, the in silico prediction for this alteration is inconclusive. Since supporting evidence is limited at this time, the clinical significance of this alteration remains unclear.

NM_000535.7(PMS2):c.2566C>A (p.Leu856Met)

Gene: PMS2 (PMS1 homolog 2, mismatch repair system component; minus strand). Cytogenetic location: 7p22.1.
Variant type: single nucleotide variant.
Coding change: c.2566C>A on transcript NM_000535.7 (MANE Select); coding-DNA position 2566, C replaced by A.
Protein change: p.Leu856Met; replaces leucine 856 with methionine.
Molecular consequence: missense variant. On other transcripts: non-coding transcript variant (1).
Genome position (GRCh38, 1-based): chr7:5,973,422, G>T on the plus strand (C>A on the coding strand, the complement: PMS2 is on the minus strand). VCF-style: chr7-5973422-G-T. GRCh37 (hg19) VCF-style: chr7-6013053-G-T.
Other names: c.2257C>A, p.Leu753Met (NM_001406877.1, NM_001406880.1, NM_001406881.1 and 4 more transcripts); c.2248C>A, p.Leu750Met (NM_001406883.1, NM_001322007.2, NM_001322008.2); c.2161C>A, p.Leu721Met (NM_001018040.1, NM_001322003.2, NM_001322004.2 and 12 more transcripts); c.2410C>A, p.Leu804Met (NM_001322006.2); c.2194C>A, p.Leu732Met (NM_001322009.2, NM_001406887.1, NM_001406888.1); c.2005C>A, p.Leu669Met (NM_001322010.2, NM_001406906.1, NM_001406907.1); c.1633C>A, p.Leu545Met (NM_001322011.2, NM_001322012.2); c.1993C>A, p.Leu665Met (NM_001322013.2, NM_001406908.1, NM_001406909.1); and 20 more; short protein forms L685M, L748M, L790M, L918M, L599M, L617M, L665M, L669M.
Identifiers: ClinVar variation 1793172 (VCV001793172.2), dbSNP rs1421089696, ClinGen allele CA366734759.
Genomic context (GRCh38, chr7:5,973,422, plus strand): 5'-CTGCGATAAAACCAATTATTCCATACAGTGACTACGGTCAGTTCTGAGAAATGACACCCA[G>T]GTTGGCGATGTGTCTCATGGTTGGCCTTCCATGGGGACAGTTCCAGGGGTGGTCCATCTC-3'
Protein context (NP_000526.2, residues 846-862): GRPTMRHIAN[Leu856Met]GVISQN